The following is an entry in ClinVar:

NM_012469.4(PRPF6):c.633C>G (p.Asn211Lys)

Gene: PRPF6 (pre-mRNA processing factor 6; plus strand). Cytogenetic location: 20q13.33.
Variant type: single nucleotide variant.
Coding change: c.633C>G on transcript NM_012469.4 (MANE Select); coding-DNA position 633, C replaced by G.
Protein change: p.Asn211Lys; replaces asparagine 211 with lysine.
Molecular consequence: missense variant.
Genome position (GRCh38, 1-based): chr20:63,995,344, C>G. VCF-style: chr20-63995344-C-G. GRCh37 (hg19) VCF-style: chr20-62626697-C-G.
Other names: short protein forms N211K.
Identifiers: ClinVar variation 3685600 (VCV003685600.2).

ClinVar aggregate classification (germline): Uncertain significance (1 of 4 stars; one submission).

Submission:

Labcorp Genetics (formerly Invitae), Labcorp
Classification: Uncertain significance. Last evaluated: 2024-04-20. Review status: criteria provided, single submitter. Criteria: Invitae Variant Classification Sherloc (09022015). Collection method: clinical testing. Allele origin: germline.
Comment: This sequence change replaces asparagine, which is neutral and polar, with lysine, which is basic and polar, at codon 211 of the PRPF6 protein (p.Asn211Lys). This variant is not present in population databases (gnomAD no frequency). This variant has not been reported in the literature in individuals affected with PRPF6-related conditions. Advanced modeling of protein sequence and biophysical properties (such as structural, functional, and spatial information, amino acid conservation, physicochemical variation, residue mobility, and thermodynamic stability) performed at Invitae indicates that this missense variant is not expected to disrupt PRPF6 protein function with a negative predictive value of 80%. In summary, the available evidence is currently insufficient to determine the role of this variant in disease. Therefore, it has been classified as a Variant of Uncertain Significance.